The following is an entry in ClinVar:

NM_001323289.2(CDKL5):c.1721C>A (p.Pro574Gln)

Gene: CDKL5 (cyclin dependent kinase like 5; plus strand). Cytogenetic location: Xp22.13.
Variant type: single nucleotide variant.
Coding change: c.1721C>A on transcript NM_001323289.2 (MANE Select); coding-DNA position 1721, C replaced by A.
Protein change: p.Pro574Gln; replaces proline 574 with glutamine.
Molecular consequence: missense variant.
Genome position (GRCh38, 1-based): chrX:18,604,645, C>A. VCF-style: chrX-18604645-C-A. GRCh37 (hg19) VCF-style: chrX-18622765-C-A.
Other names: NM_001323289.2(CDKL5):c.1721C>A; p.Pro574Gln; c.1721C>A, p.Pro574Gln (NM_001037343.2, NM_003159.3); short protein forms P574Q.
Identifiers: ClinVar variation 1215574 (VCV001215574.7), dbSNP rs199897804, ClinGen allele CA326987875.

ClinVar aggregate classification (germline): Likely benign. Review status: reviewed by expert panel (3 of 4 stars). 4 submissions from 4 submitters: Likely benign (1). 3 of the submissions do not count toward it. Last evaluated 2026-08-25.

Conditions:
Inborn genetic diseases. Identifiers: MedGen C0950123, MeSH D030342.
CDKL5 disorder. Identifiers: MedGen CN296942, MONDO:0100039.
Developmental and epileptic encephalopathy, 2 (DEE2). Also called: CDKL5 deficiency disorder; INFANTILE SPASM SYNDROME, X-LINKED 2. Identifiers: Orphanet 1934, Orphanet 3451, Orphanet 505652, MedGen C4750718, MONDO:0010396, OMIM 300672.
Angelman syndrome-like. Identifiers: MedGen CN128785.

gnomAD v4.1: 2 of 1,211,920 alleles (0.00017%); highest among the groups gnomAD compares: Non-Finnish European, 0.00022%; no homozygotes.

Submissions (4):

ClinGen Rett and Angelman-like Disorders Variant Curation Expert Panel
Classification: Likely benign for CDKL5 disorder. Last evaluated: 2026-08-25. Review status: reviewed by expert panel. Criteria: ClinGen RettAS ACMG Specifications CDKL5 V6.0. Collection method: curation. Allele origin: germline. Inheritance: X-linked inheritance.
Comment: The highest population minor allele frequency of the p.Pro574Gln variant in CDKL5 in gnomAD v4.1.0 is 0.000002234 in the European (non-Finnish) population (not sufficient to meet BS1 criteria). The p.Pro574Gln variant is not currently published, but it has been observed in at least 6 unaffected individuals in internal databases (Internal data - Ambry; Internal data - GeneDx) (BS2). In summary, the p.Pro574Gln variant in CDKL5 is classified as Likely Benign based on the ACMG/AMP criteria (BS2). CDKL5 Specifications v6.0; curation approved on 25-Aug-2026.

Ambry Genetics
Classification: Uncertain significance for Inborn genetic diseases. Last evaluated: 2025-08-29. Review status: criteria provided, single submitter. Criteria: Ambry Variant Classification Scheme 2023. Collection method: clinical testing. Allele origin: germline. Not counted in ClinVar's aggregate classification.

Labcorp Genetics (formerly Invitae), Labcorp
Classification: Uncertain significance for Developmental and epileptic encephalopathy, 2; Angelman syndrome-like. Last evaluated: 2024-07-20. Review status: criteria provided, single submitter. Criteria: Invitae Variant Classification Sherloc (09022015). Collection method: clinical testing. Allele origin: germline. Not counted in ClinVar's aggregate classification.
Comment: This sequence change replaces proline, which is neutral and non-polar, with glutamine, which is neutral and polar, at codon 574 of the CDKL5 protein (p.Pro574Gln). This variant is not present in population databases (gnomAD no frequency). This variant has not been reported in the literature in individuals affected with CDKL5-related conditions. ClinVar contains an entry for this variant (Variation ID: 1215574). Advanced modeling of protein sequence and biophysical properties (such as structural, functional, and spatial information, amino acid conservation, physicochemical variation, residue mobility, and thermodynamic stability) performed at Invitae indicates that this missense variant is not expected to disrupt CDKL5 protein function with a negative predictive value of 95%. In summary, the available evidence is currently insufficient to determine the role of this variant in disease. Therefore, it has been classified as a Variant of Uncertain Significance.

GeneDx
Classification: Likely benign. Last evaluated: 2015-03-03. Review status: criteria provided, single submitter. Criteria: GeneDx Variant Classification Process June 2021. Collection method: clinical testing. Allele origin: germline. Affected: yes. Not counted in ClinVar's aggregate classification.